The following is an entry in ClinVar:

NM_012123.4(MTO1):c.260G>A (p.Gly87Glu)

Gene: MTO1 (mitochondrial tRNA translation optimization 1; plus strand). Cytogenetic location: 6q13.
Variant type: single nucleotide variant.
Coding change: c.260G>A on transcript NM_012123.4 (MANE Select); coding-DNA position 260, G replaced by A.
Protein change: p.Gly87Glu; replaces glycine 87 with glutamic acid.
Molecular consequence: missense variant.
Genome position (GRCh38, 1-based): chr6:73,466,251, G>A. VCF-style: chr6-73466251-G-A. GRCh37 (hg19) VCF-style: chr6-74175974-G-A.
Other names: c.260G>A, p.Gly87Glu (NM_001123226.2, NM_133645.3); short protein forms G87E.
Identifiers: ClinVar variation 970039 (VCV000970039.10), dbSNP rs751029705, ClinGen allele CA3889302.
Genomic context (GRCh38, chr6:73,466,251, plus strand): 5'-TATGTCTATTATCTTTAGGTCAGATGTCATGTAATCCTTCCTTTGGTGGCATCGGAAAGG[G>A]ACATTTAATGAGGGAAGTAGATGCCTTGGATGGCCTGTGTTCTCGCATCTGTGACCAGTC-3'
Protein context (NP_036255.2, residues 77-97): CNPSFGGIGK[Gly87Glu]HLMREVDALD

ClinVar aggregate classification (germline): Uncertain significance (1 of 4 stars; one submission).

Conditions:
Mitochondrial hypertrophic cardiomyopathy with lactic acidosis due to MTO1 deficiency. Also called: Combined oxidative phosphorylation deficiency 10; CARDIOMYOPATHY, INFANTILE HYPERTROPHIC MITOCHONDRIAL, AND LACTIC ACIDOSIS. Identifiers: Orphanet 314637, MedGen C4749921, MONDO:0013865, OMIM 614702.

Allele frequency attached by ClinVar (database versions not stated): gnomAD exomes below 0.00001; ExAC 0.00001.

Submission:

Labcorp Genetics (formerly Invitae), Labcorp
Classification: Uncertain significance for Mitochondrial hypertrophic cardiomyopathy with lactic acidosis due to MTO1 deficiency. Last evaluated: 2022-08-22. Review status: criteria provided, single submitter. Criteria: Invitae Variant Classification Sherloc (09022015). Collection method: clinical testing. Allele origin: germline.
Comment: This sequence change replaces glycine, which is neutral and non-polar, with glutamic acid, which is acidic and polar, at codon 87 of the MTO1 protein (p.Gly87Glu). This variant is present in population databases (rs751029705, gnomAD 0.003%). This variant has not been reported in the literature in individuals affected with MTO1-related conditions. ClinVar contains an entry for this variant (Variation ID: 970039). Algorithms developed to predict the effect of missense changes on protein structure and function are either unavailable or do not agree on the potential impact of this missense change (SIFT: "Deleterious"; PolyPhen-2: "Probably Damaging"; Align-GVGD: "Class C0"). In summary, the available evidence is currently insufficient to determine the role of this variant in disease. Therefore, it has been classified as a Variant of Uncertain Significance.